The following is an entry in ClinVar:

NM_005458.8(GABBR2):c.848G>T (p.Gly283Val)

Gene: GABBR2 (gamma-aminobutyric acid type B receptor subunit 2; minus strand). Cytogenetic location: 9q22.33.
Variant type: single nucleotide variant.
Coding change: c.848G>T on transcript NM_005458.8 (MANE Select); coding-DNA position 848, G replaced by T.
Protein change: p.Gly283Val; replaces glycine 283 with valine.
Molecular consequence: missense variant.
Genome position (GRCh38, 1-based): chr9:98,473,297, C>A on the plus strand (G>T on the coding strand, the complement: GABBR2 is on the minus strand). VCF-style: chr9-98473297-C-A. GRCh37 (hg19) VCF-style: chr9-101235579-C-A.
Other names: short protein forms G283V.
Identifiers: ClinVar variation 3367132 (VCV003367132.1).

ClinVar aggregate classification (germline): Uncertain significance (1 of 4 stars; one submission).

Conditions:
Neurodevelopmental disorder with poor language and loss of hand skills. Identifiers: MedGen C4693546, MONDO:0060659, OMIM 617903.

Submission:

Neuberg Centre For Genomic Medicine, NCGM
Classification: Uncertain significance for Neurodevelopmental disorder with poor language and loss of hand skills. Last evaluated: 2023-05-20. Review status: criteria provided, single submitter. Criteria: ACMG Guidelines, 2015. Collection method: clinical testing. Allele origin: germline. Inheritance: Autosomal dominant inheritance. Affected: yes.
Comment: The observed missense c.848G>T (p.Gly283Val) variant in GABBR2 gene has not been reported previously as a pathogenic variant nor as a benign variant, to our knowledge. The p.Gly283Val variant is absent in gnomAD Exomes. This variant has not been submitted to the ClinVar database. Multiple lines of computational evidence (Polyphen - Probably Damaging, SIFT - Damaging and MutationTaster - Disease Causing) predict a damaging effect on protein structure and function for this variant. The reference amino acid of p.Gly283Val in GABBR2 is predicted as conserved by GERP++ and PhyloP across 100 vertebrates. The amino acid Gly at position 283 is changed to a Val changing protein sequence and it might alter its composition and physico-chemical properties. For these reasons, this variant has been classified as a Variant of Uncertain Significance (VUS).